The following is an entry in ClinVar:

NM_199242.3(UNC13D):c.2657C>T (p.Ala886Val)

Genes: UNC13D (unc-13 homolog D; minus strand), LOC112533672 (Sharpr-MPRA regulatory region 1193; plus strand). Cytogenetic location: 17q25.1.
Variant type: single nucleotide variant.
Coding change: c.2657C>T on transcript NM_199242.3 (MANE Select); coding-DNA position 2657, C replaced by T.
Protein change: p.Ala886Val; replaces alanine 886 with valine.
Molecular consequence: missense variant.
Genome position (GRCh38, 1-based): chr17:75,830,630, G>A on the plus strand (C>T on the coding strand, the complement: UNC13D is on the minus strand). VCF-style: chr17-75830630-G-A. GRCh37 (hg19) VCF-style: chr17-73826711-G-A.
Other names: short protein forms A886V.
Identifiers: ClinVar variation 4704825 (VCV004704825.1).

ClinVar aggregate classification (germline): Uncertain significance (1 of 4 stars; one submission).

Conditions:
Familial hemophagocytic lymphohistiocytosis 3 (FHL3). Also called: UNC13D-Related Familial Hemophagocytic Lymphohistiocytosis (UNC13D-fHLH). Identifiers: Orphanet 540, MedGen C1837174, MONDO:0012146, OMIM 608898.

gnomAD v4.1: 1 of 1,555,940 alleles (0.000064%); highest among the groups gnomAD compares: Non-Finnish European, 0.000087%; no homozygotes.

Submission:

Labcorp Genetics (formerly Invitae), Labcorp
Classification: Uncertain significance for Familial hemophagocytic lymphohistiocytosis 3. Last evaluated: 2025-07-16. Review status: criteria provided, single submitter. Criteria: Invitae Variant Classification Sherloc (09022015). Collection method: clinical testing. Allele origin: germline.
Comment: This sequence change replaces alanine, which is neutral and non-polar, with valine, which is neutral and non-polar, at codon 886 of the UNC13D protein (p.Ala886Val). This variant is not present in population databases (gnomAD no frequency). This variant has not been reported in the literature in individuals affected with UNC13D-related conditions. Invitae Evidence Modeling of protein sequence and biophysical properties (such as structural, functional, and spatial information, amino acid conservation, physicochemical variation, residue mobility, and thermodynamic stability) indicates that this missense variant is not expected to disrupt UNC13D protein function with a negative predictive value of 80%. In summary, the available evidence is currently insufficient to determine the role of this variant in disease. Therefore, it has been classified as a Variant of Uncertain Significance.